The following is an entry in ClinVar:

ClinVar aggregate classification (germline): Pathogenic/Likely pathogenic. Review status: criteria provided, multiple submitters, no conflicts (2 of 4 stars). 2 submissions from 2 submitters: Pathogenic (1); Likely pathogenic (1). Last evaluated 2026-08-06.

Conditions:
Joubert syndrome 17 (JBTS17). Identifiers: Orphanet 475, MedGen C3553264, MONDO:0013824, OMIM 614615.

Submissions (2):

OLLIN Analises Genomicas, OLLIN
Classification: Likely pathogenic for Joubert syndrome 17. Last evaluated: 2026-08-06. Review status: criteria provided, single submitter. Criteria: ACMG Guidelines 2015 PMID 25741868. Collection method: clinical testing. Allele origin: germline. Inheritance: Autosomal recessive inheritance.
Comment: This frameshift variant, located in exon 15 (of 53), has been reported in ClinVar (accession VCV001455966.6) and in gnomAD with an allele frequency of 0.000067%. However, to our knowledge, it has not been reported in the scientific literature. This variant causes a frameshift and introduces a premature stop codon, which is predicted to result in either a truncated protein or degradation of the mRNA via nonsense-mediated decay (NMD). According to the currently available evidence, this variant has been classified as likely pathogenic (PVS1, PM2_P).

Labcorp Genetics (formerly Invitae), Labcorp
Classification: Pathogenic. Last evaluated: 2025-12-01. Review status: criteria provided, single submitter. Criteria: Invitae Variant Classification Sherloc (09022015). Collection method: clinical testing. Allele origin: germline.
Comment: This sequence change creates a premature translational stop signal (p.Ser915Phefs*9) in the CPLANE1 gene. It is expected to result in an absent or disrupted protein product. Loss-of-function variants in CPLANE1 are known to be pathogenic (PMID: 24178751, 26092869). This variant is not present in population databases (gnomAD no frequency). This variant has not been reported in the literature in individuals affected with CPLANE1-related conditions. ClinVar contains an entry for this variant (Variation ID: 1455966). For these reasons, this variant has been classified as Pathogenic.

Literature cited by the submitters: PubMed 24178751 (cited by Labcorp Genetics (formerly Invitae), Labcorp); PubMed 26092869 (cited by Labcorp Genetics (formerly Invitae), Labcorp).

NM_001384732.1(CPLANE1):c.2743dup (p.Ser915fs)

Gene: CPLANE1 (ciliogenesis and planar polarity effector complex subunit 1; minus strand). Cytogenetic location: 5p13.2.
Variant type: Duplication.
Coding change: c.2743dup on transcript NM_001384732.1 (MANE Select); coding-DNA position 2743, one base duplicated (T; older notation c.2743dupT).
Protein change: p.Ser915fs; shifts the reading frame from serine 915.
Molecular consequence: frameshift variant.
Genome position (GRCh38, 1-based): chr5:37,221,327, A duplicated on the plus strand (T on the coding strand, the reverse complement: CPLANE1 is on the minus strand); the first of 5 consecutive A bases (chr5:37,221,327-37,221,331); duplicating any one gives the same sequence. VCF-style (leftmost placement, unchanged base first): chr5-37221326-G-GA. GRCh37 (hg19) VCF-style: chr5-37221428-G-GA.
Other names: c.2743dup, p.Ser915fs (NM_023073.4); short protein forms S915fs.
Identifiers: ClinVar variation 1455966 (VCV001455966.7), dbSNP rs1795316019, ClinGen allele CA443916418.